The following is an entry in ClinVar:

NM_000551.4(VHL):c.513G>T (p.Lys171Asn)

Genes: VHL (von Hippel-Lindau tumor suppressor; plus strand), LOC107303340 (3p25 von Hippel-Lindau tumor suppressor, E3 ubiquitin protein ligase Alu-mediated recombination region; plus strand). Cytogenetic location: 3p25.3.
Variant type: single nucleotide variant.
Coding change: c.513G>T on transcript NM_000551.4 (MANE Select); coding-DNA position 513, G replaced by T.
Protein change: p.Lys171Asn; replaces lysine 171 with asparagine.
Molecular consequence: missense variant. On other transcripts: 3 prime UTR variant (1).
Genome position (GRCh38, 1-based): chr3:10,149,836, G>T. VCF-style: chr3-10149836-G-T. GRCh37 (hg19) VCF-style: chr3-10191520-G-T.
Other names: c.*67G>T (NM_001354723.2); c.390G>T, p.Lys130Asn (NM_198156.3); short protein forms K171N, K130N.
Identifiers: ClinVar variation 526669 (VCV000526669.18), dbSNP rs1365445365, ClinGen allele CA351756204.
Genomic context (GRCh38, chr3:10,149,836, plus strand): 5'-TGCCCTTCCAGTGTATACTCTGAAAGAGCGATGCCTCCAGGTTGTCCGGAGCCTAGTCAA[G>T]CCTGAGAATTACAGGAGACTGGACATCGTCAGGTCGCTCTACGAAGATCTGGAAGACCAC-3'
Protein context (NP_000542.1, residues 161-181): RCLQVVRSLV[Lys171Asn]PENYRRLDIV

ClinVar aggregate classification (germline): Uncertain significance. Review status: criteria provided, multiple submitters, no conflicts (2 of 4 stars). 4 submissions from 4 submitters: Uncertain significance (4). Last evaluated 2026-02-02.

Conditions:
Hereditary cancer-predisposing syndrome. Also called: Neoplastic Syndromes, Hereditary; Tumor predisposition; Hereditary neoplastic syndrome; Hereditary Cancer Syndrome. Identifiers: Orphanet 140162, MedGen C0027672, MeSH D009386, MONDO:0015356.
Chuvash polycythemia. Also called: POLYCYTHEMIA, VHL-DEPENDENT. Identifiers: Orphanet 238557, MedGen C1837915, MONDO:0009892, OMIM 263400.
Von Hippel-Lindau syndrome (VHLS). Also called: von Hippel–Lindau syndrome; VHL syndrome; Von Hippel-Lindau. Identifiers: Orphanet 892, MedGen C0019562, MONDO:0008667, OMIM 193300. Disease mechanism: loss of function.

Allele frequency attached by ClinVar (database versions not stated): gnomAD exomes 0.00001.
gnomAD v4.1: 3 of 1,614,178 alleles (0.00019%); highest among the groups gnomAD compares: Non-Finnish European, 0.00025%; no homozygotes.

Submissions (4):

Labcorp Genetics (formerly Invitae), Labcorp
Classification: Uncertain significance for Von Hippel-Lindau syndrome; Chuvash polycythemia. Last evaluated: 2026-02-02. Review status: criteria provided, single submitter. Criteria: Invitae Variant Classification Sherloc (09022015). Collection method: clinical testing. Allele origin: germline.
Comment: This sequence change replaces lysine, which is basic and polar, with asparagine, which is neutral and polar, at codon 171 of the VHL protein (p.Lys171Asn). This variant is present in population databases (no rsID available, gnomAD 0.002%). This variant has not been reported in the literature in individuals affected with VHL-related conditions. ClinVar contains an entry for this variant (Variation ID: 526669). Invitae Evidence Modeling of protein sequence and biophysical properties (such as structural, functional, and spatial information, amino acid conservation, physicochemical variation, residue mobility, and thermodynamic stability) has been performed for this missense variant. However, the output from this modeling did not meet the statistical confidence thresholds required to predict the impact of this variant on VHL protein function. In summary, the available evidence is currently insufficient to determine the role of this variant in disease. Therefore, it has been classified as a Variant of Uncertain Significance.

Ambry Genetics
Classification: Uncertain significance for Hereditary cancer-predisposing syndrome. Last evaluated: 2024-07-05. Review status: criteria provided, single submitter. Criteria: Ambry Variant Classification Scheme 2023. Collection method: clinical testing. Allele origin: germline.
Comment: The p.K171N variant (also known as c.513G>T), located in coding exon 3 of the VHL gene, results from a G to T substitution at nucleotide position 513. The lysine at codon 171 is replaced by asparagine, an amino acid with similar properties. This amino acid position is not well conserved in available vertebrate species. In addition, the in silico prediction for this alteration is inconclusive. Since supporting evidence is limited at this time, the clinical significance of this alteration remains unclear.

Baylor Genetics
Classification: Uncertain significance for Chuvash polycythemia. Last evaluated: 2024-03-08. Review status: criteria provided, single submitter. Criteria: ACMG Guidelines, 2015. Collection method: clinical testing. Allele origin: unknown.

GeneDx
Classification: Uncertain significance. Last evaluated: 2024-03-01. Review status: criteria provided, single submitter. Criteria: GeneDx Variant Classification Process June 2021. Collection method: clinical testing. Allele origin: germline. Affected: yes.
Comment: Not observed at significant frequency in large population cohorts (gnomAD); In silico analysis supports that this missense variant does not alter protein structure/function; Has not been previously published as pathogenic or benign to our knowledge